The following is an entry in ClinVar:

ClinVar aggregate classification (germline): Uncertain significance (1 of 4 stars; one submission).

Submission:

GeneDx
Classification: Uncertain significance. Last evaluated: 2024-01-02. Review status: criteria provided, single submitter. Criteria: GeneDx Variant Classification Process June 2021. Collection method: clinical testing. Allele origin: germline. Affected: yes.
Comment: Not observed at significant frequency in large population cohorts (gnomAD); In-frame deletion of five amino acids in a non-repeat region; In silico analysis supports that this variant does not alter protein structure/function; Has not been previously published as pathogenic or benign to our knowledge

NM_006160.4(NEUROD2):c.759_773del (p.Ala254_Gly258del)

Gene: NEUROD2 (neuronal differentiation 2; minus strand). Cytogenetic location: 17q12.
Variant type: Deletion.
Coding change: c.759_773del on transcript NM_006160.4 (MANE Select); coding-DNA positions 759 to 773, 15 bases deleted (GGCCGGCGGCCTGGG).
Protein change: p.Ala254_Gly258del.
Molecular consequence: inframe deletion.
Genome position (GRCh38, 1-based): chr17:39,605,827-39,605,841, CCCAGGCCGCCGGCC deleted on the plus strand (GGCCGGCGGCCTGGG on the coding strand, the reverse complement: NEUROD2 is on the minus strand). VCF-style (leftmost placement, unchanged base first): chr17-39605826-GCCCAGGCCGCCGGCC-G. GRCh37 (hg19) VCF-style: chr17-37762079-GCCCAGGCCGCCGGCC-G.
Identifiers: ClinVar variation 3370166 (VCV003370166.1).
Genomic context (GRCh38, chr17:39,605,826, plus strand): 5'-ATACAGCGTCTCGTAGGCGGCGCAGTAGCCGTGGGTCCGCAGGGCGTGCGCCGCGCCGCC[GCCCAGGCCGCCGGCC>G]GCCTGGCACTGTGCGCCCGCCAGGCGCGAGCACGGGTACGGGTAGGGGTGCATGGCGAAC-3'